The following is an entry in ClinVar:

NM_002637.4(PHKA1):c.2637G>A (p.Leu879=)

Gene: PHKA1 (phosphorylase kinase regulatory subunit alpha 1; minus strand). Cytogenetic location: Xq13.1.
Variant type: single nucleotide variant.
Coding change: c.2637G>A on transcript NM_002637.4 (MANE Select); coding-DNA position 2637, G replaced by A.
Protein change: p.Leu879=; no amino-acid change (leucine 879 retained).
Molecular consequence: synonymous variant.
Genome position (GRCh38, 1-based): chrX:72,605,589, C>T on the plus strand (G>A on the coding strand, the complement: PHKA1 is on the minus strand). VCF-style: chrX-72605589-C-T. GRCh37 (hg19) VCF-style: chrX-71825439-C-T.
Other names: c.2637G>A, p.Leu879= (NM_001122670.2); c.2460G>A, p.Leu820= (NM_001172436.2).
Identifiers: ClinVar variation 387654 (VCV000387654.1), dbSNP rs782094125, ClinGen allele CA10450638.
Genomic context (GRCh38, chrX:72,605,589, plus strand): 5'-AATTCTTCTCACCTGTGTAAGGATTGAAATGCTCATATCCCCTTCACTGGCTTCATCTAT[C>T]AGCTGAGTGAGCGCCTCATAGGGCAGAGGTCTAAGGAAAAAGACAGCAAAGAAAGACAAT-3'
Protein context (NP_002628.2, residues 869-889): APLPYEALTQ[Leu879=]IDEASEGDMS

ClinVar aggregate classification (germline): Likely benign (1 of 4 stars; one submission).

Allele frequency attached by ClinVar (database versions not stated): gnomAD exomes below 0.00001 and 0.00001; ExAC 0.00001.
gnomAD v4.1: 1 of 1,208,169 alleles (0.000083%); highest among the groups gnomAD compares: East Asian, 0.003%; no homozygotes.

Submission:

GeneDx
Classification: Likely benign. Last evaluated: 2016-08-01. Review status: criteria provided, single submitter. Criteria: GeneDx Variant Classification (06012015). Collection method: clinical testing. Allele origin: germline. Affected: yes.
Comment: This variant is considered likely benign or benign based on one or more of the following criteria: it is a conservative change, it occurs at a poorly conserved position in the protein, it is predicted to be benign by multiple in silico algorithms, and/or has population frequency not consistent with disease.